The following is an entry in ClinVar:

NM_007294.4(BRCA1):c.4483A>G (p.Arg1495Gly)

Gene: BRCA1 (BRCA1 DNA repair associated; minus strand). Cytogenetic location: 17q21.31.
Variant type: single nucleotide variant.
Coding change: c.4483A>G on transcript NM_007294.4 (MANE Select); coding-DNA position 4483, A replaced by G.
Protein change: p.Arg1495Gly; replaces arginine 1495 with glycine.
Molecular consequence: missense variant. On other transcripts: intron variant (3).
Genome position (GRCh38, 1-based): chr17:43,076,489, T>C on the plus strand (A>G on the coding strand, the complement: BRCA1 is on the minus strand). VCF-style: chr17-43076489-T-C. GRCh37 (hg19) VCF-style: chr17-41228506-T-C.
Other names: c.4270A>G, p.Arg1424Gly (NM_001407908.1, NM_001407909.1, NM_001407910.1 and 12 more transcripts); c.4480A>G, p.Arg1494Gly (NM_001407613.1, NM_001407614.1, NM_001407615.1 and 17 more transcripts); c.4267A>G, p.Arg1423Gly (NM_001407915.1, NM_001407916.1, NM_001407917.1 and 1 more transcripts); c.4477A>G, p.Arg1493Gly (NM_001407628.1, NM_001407631.1, NM_001407629.1 and 14 more transcripts); c.4219A>G, p.Arg1407Gly (NM_001407921.1, NM_001407922.1, NM_001407923.1 and 4 more transcripts); c.4360A>G, p.Arg1454Gly (NM_001407919.1, NM_001407937.1, NM_001407938.1 and 6 more transcripts); c.4339A>G, p.Arg1447Gly (NM_001407746.1, NM_001407747.1, NM_001407748.1 and 21 more transcripts); c.4336A>G, p.Arg1446Gly (NM_001407838.1, NM_001407839.1, NM_001407841.1 and 12 more transcripts); and 71 more; short protein forms R1198G, R1199G, R1326G, R1366G, R1367G, R1368G, R1382G, R1383G.
Identifiers: ClinVar variation 4757047 (VCV004757047.1).

ClinVar aggregate classification (germline): Uncertain significance (1 of 4 stars; one submission).

Conditions:
Hereditary cancer-predisposing syndrome. Also called: Tumor predisposition; Hereditary Cancer Syndrome; Neoplastic Syndromes, Hereditary; Hereditary neoplastic syndrome. Identifiers: Orphanet 140162, MedGen C0027672, MeSH D009386, MONDO:0015356.

gnomAD v4.1: 1 of 1,613,670 alleles (0.000062%); highest among the groups gnomAD compares: Non-Finnish European, 0.000085%; no homozygotes.

Submission:

Color Diagnostics, LLC DBA Color Health
Classification: Uncertain significance for Hereditary cancer-predisposing syndrome. Last evaluated: 2025-06-24. Review status: criteria provided, single submitter. Criteria: ACMG Guidelines, 2015. Collection method: clinical testing. Allele origin: germline.
Comment: This missense variant replaces arginine with glycine at codon 1495 of the BRCA1 protein. Computational prediction is inconclusive regarding the impact of this variant on protein structure and function. To our knowledge, functional studies have not been reported for this variant. This variant has not been reported in individuals affected with BRCA1-related disorders in the literature. This variant has not been identified in the general population by the Genome Aggregation Database (gnomAD). The available evidence is insufficient to determine the role of this variant in disease conclusively. Therefore, this variant is classified as a Variant of Uncertain Significance.